The following is an entry in ClinVar:

NM_001037333.3(CYFIP2):c.917C>A (p.Pro306His)

Gene: CYFIP2 (cytoplasmic FMR1 interacting protein 2; plus strand). Cytogenetic location: 5q33.3.
Variant type: single nucleotide variant.
Coding change: c.917C>A on transcript NM_001037333.3 (MANE Select); coding-DNA position 917, C replaced by A.
Protein change: p.Pro306His; replaces proline 306 with histidine.
Molecular consequence: missense variant.
Genome position (GRCh38, 1-based): chr5:157,309,759, C>A. VCF-style: chr5-157309759-C-A. GRCh37 (hg19) VCF-style: chr5-156736767-C-A.
Other names: c.839C>A, p.Pro280His (NM_001291721.2); c.917C>A, p.Pro306His (NM_001291722.2, NM_014376.4); short protein forms P280H, P306H.
Identifiers: ClinVar variation 4759634 (VCV004759634.1).
Genomic context (GRCh38, chr5:157,309,759, plus strand): 5'-ACCCCTCCTCAGCATCTCACGAGCTGTGTTTGCTTCCTTTGCAGCAGCTGCAGGTGGTGC[C>A]CCTTTTCGGCGACATGCAGATAGAGCTGGCCAGATACATTAAGACCAGTGCTCACTATGA-3'
Protein context (NP_001032410.1, residues 296-316): DKFFKQLQVV[Pro306His]LFGDMQIELA

ClinVar aggregate classification (germline): Uncertain significance (1 of 4 stars; one submission).

gnomAD v4.1: 2 of 1,605,904 alleles (0.00012%); highest among the groups gnomAD compares: Non-Finnish European, 0.00017%; no homozygotes.

Submission:

Labcorp Genetics (formerly Invitae), Labcorp
Classification: Uncertain significance. Last evaluated: 2025-10-28. Review status: criteria provided, single submitter. Criteria: Invitae Variant Classification Sherloc (09022015). Collection method: clinical testing. Allele origin: germline.
Comment: This sequence change replaces proline, which is neutral and non-polar, with histidine, which is basic and polar, at codon 306 of the CYFIP2 protein (p.Pro306His). This variant is not present in population databases (gnomAD no frequency). This variant has not been reported in the literature in individuals affected with CYFIP2-related conditions. Experimental studies and prediction algorithms are not available or were not evaluated, and the functional significance of this variant is currently unknown. In summary, the available evidence is currently insufficient to determine the role of this variant in disease. Therefore, it has been classified as a Variant of Uncertain Significance.